The following is an entry in ClinVar:

ClinVar aggregate classification (germline): Pathogenic (1 of 4 stars; one submission).

Submission:

Labcorp Genetics (formerly Invitae), Labcorp
Classification: Pathogenic. Last evaluated: 2024-01-10. Review status: criteria provided, single submitter. Criteria: Invitae Variant Classification Sherloc (09022015). Collection method: clinical testing. Allele origin: germline.
Comment: This sequence change creates a premature translational stop signal (p.Ile701Metfs*12) in the NAA15 gene. It is expected to result in an absent or disrupted protein product. Loss-of-function variants in NAA15 are known to be pathogenic (PMID: 28191889, 29656860). This variant is not present in population databases (gnomAD no frequency). This variant has not been reported in the literature in individuals affected with NAA15-related conditions. For these reasons, this variant has been classified as Pathogenic.

Literature cited by the submitters: PubMed 28191889; PubMed 29656860.

NM_057175.5(NAA15):c.2103del (p.Ile701fs)

Gene: NAA15 (N-alpha-acetyltransferase 15, NatA auxiliary subunit; plus strand). Cytogenetic location: 4q31.1.
Variant type: Deletion.
Coding change: c.2103del on transcript NM_057175.5 (MANE Select); coding-DNA position 2103, one base deleted (T; older notation c.2103delT).
Protein change: p.Ile701fs; shifts the reading frame from isoleucine 701.
Molecular consequence: frameshift variant.
Genome position (GRCh38, 1-based): chr4:139,378,802, T deleted; the last of 2 consecutive T bases (chr4:139,378,801-139,378,802); deleting either gives the same sequence. VCF-style (leftmost placement, unchanged base first): chr4-139378800-AT-A. GRCh37 (hg19) VCF-style: chr4-140299954-AT-A.
Other names: c.2103del, p.Ile701fs (NM_001410842.1); c.*512delT (NM_025085.2); short protein forms I701fs.
Identifiers: ClinVar variation 2815290 (VCV002815290.3), dbSNP rs2530464721, ClinGen allele CA2739270289.